The following is an entry in ClinVar:

ClinVar aggregate classification (germline): Pathogenic (1 of 4 stars; one submission).

Conditions:
Immunodeficiency 23 (IMD23). Also called: IMMUNODEFICIENCY WITH HYPER IgE AND COGNITIVE IMPAIRMENT; IMMUNODEFICIENCY-VASCULITIS-MYOCLONUS SYNDROME. Identifiers: Orphanet 443811, MedGen C4014371, MONDO:0014353, OMIM 615816.

Allele frequency attached by ClinVar (database versions not stated): gnomAD exomes below 0.00001.

Submission:

Labcorp Genetics (formerly Invitae), Labcorp
Classification: Pathogenic for Immunodeficiency 23. Last evaluated: 2019-05-20. Review status: criteria provided, single submitter. Criteria: Invitae Variant Classification Sherloc (09022015). Collection method: clinical testing. Allele origin: germline.
Comment: This sequence change creates a premature translational stop signal (p.Val152Serfs*4) in the PGM3 gene. It is expected to result in an absent or disrupted protein product. This variant is not present in population databases (ExAC no frequency). This variant has not been reported in the literature in individuals with PGM3-related conditions. Loss-of-function variants in PGM3 are known to be pathogenic (PMID: 17548465, 24589341, 24931394). For these reasons, this variant has been classified as Pathogenic.

NM_015599.3(PGM3):c.369dup (p.Val124fs)

Gene: PGM3 (phosphoglucomutase 3; minus strand). Cytogenetic location: 6q14.1.
Variant type: Duplication.
Coding change: c.369dup on transcript NM_015599.3 (MANE Select); coding-DNA position 369, one base duplicated (A; older notation c.369dupA).
Protein change: p.Val124fs; shifts the reading frame from valine 124.
Molecular consequence: frameshift variant. On other transcripts: non-coding transcript variant (1).
Genome position (GRCh38, 1-based): chr6:83,188,634, T duplicated on the plus strand (A on the coding strand, the reverse complement: PGM3 is on the minus strand). VCF-style (leftmost placement, unchanged base first): chr6-83188633-C-CT. GRCh37 (hg19) VCF-style: chr6-83898352-C-CT.
Other names: c.453dup, p.Val152fs (NM_001199917.2, NM_001367287.1); c.126dup, p.Val43fs (NM_001199918.2); c.369dup, p.Val124fs (NM_001199919.2, NM_001367286.1); short protein forms V152fs, V124fs, V43fs.
Identifiers: ClinVar variation 940194 (VCV000940194.1), dbSNP rs1788795866, ClinGen allele CA1139659716.